The following is an entry in ClinVar:

ClinVar aggregate classification (germline): Uncertain significance (1 of 4 stars; one submission).

gnomAD v4.1: 3 of 1,613,382 alleles (0.00019%); highest among the groups gnomAD compares: Admixed American, 0.0017%; no homozygotes.

Submission:

Women's Health and Genetics/Laboratory Corporation of America, LabCorp
Classification: Uncertain significance. Last evaluated: 2025-09-09. Review status: criteria provided, single submitter. Criteria: LabCorp Variant Classification Summary - May 2015. Collection method: clinical testing. Allele origin: germline.
Comment: Variant summary: TG c.7240G>C (p.Gly2414Arg) results in a non-conservative amino acid change in the encoded protein sequence. Algorithms developed to predict the effect of missense changes on protein structure and function are either unavailable or do not agree on the potential impact of this missense change. The variant was absent in 249882 control chromosomes. The available data on variant occurrences in the general population are insufficient to allow any conclusion about variant significance. To our knowledge, no occurrence of c.7240G>C in individuals affected with TG-related conditions and no experimental evidence demonstrating its impact on protein function have been reported. No submitters have cited clinical-significance assessments for this variant to ClinVar. Based on the evidence outlined above, the variant was classified as uncertain significance.

NM_003235.5(TG):c.7240G>C (p.Gly2414Arg)

Genes: SLA (Src like adaptor; minus strand), TG (thyroglobulin; plus strand). Cytogenetic location: 8q24.22.
Variant type: single nucleotide variant.
Coding change: c.7240G>C on transcript NM_003235.5 (MANE Select); coding-DNA position 7240, G replaced by C.
Protein change: p.Gly2414Arg; replaces glycine 2414 with arginine.
Molecular consequence: missense variant. On other transcripts: intron variant (4).
Genome position (GRCh38, 1-based): chr8:133,095,044, G>C. VCF-style: chr8-133095044-G-C. GRCh37 (hg19) VCF-style: chr8-134107288-G-C.
Other names: c.-264+7509C>G (NM_001282965.2); c.11+7509C>G (NM_001282964.2, NM_001045557.3); c.-319+7509C>G (NM_001045556.3); short protein forms G2414R.
Identifiers: ClinVar variation 4535639 (VCV004535639.1).